The following is an entry in ClinVar:

ClinVar aggregate classification (germline): Conflicting classifications of pathogenicity. Review status: criteria provided, conflicting classifications (1 of 4 stars). 7 submissions from 7 submitters: Uncertain significance (5); Likely benign (2). Last evaluated 2025-11-04.

Conditions:
Retinoblastoma (RB1). Also called: RETINOBLASTOMA, SOMATIC. Identifiers: Orphanet 790, MedGen C0035335, MeSH D012175, MONDO:0008380, OMIM 180200, HP:0009919. Disease mechanism: loss of function. Inheritance: Both sporadic and heritable forms are tested..
Bone osteosarcoma. Also called: Osteosarcoma, somatic. Identifiers: Orphanet 668, MedGen C0585442, MONDO:0002629, OMIM 259500.
Malignant tumor of urinary bladder. Also called: Bladder cancer; Urinary bladder cancer; Urinary Bladder Neoplasms. Identifiers: MedGen C0005684, MONDO:0001187, OMIM 109800.
Small cell lung carcinoma. Also called: Small cell lung cancer; SMALL CELL CANCER OF THE LUNG, SOMATIC; Lung oat cell carcinoma. Identifiers: Orphanet 70573, MedGen C0149925, MeSH D055752, MONDO:0008433, OMIM 182280, HP:0030357.
Hereditary cancer-predisposing syndrome. Also called: Tumor predisposition; Hereditary neoplastic syndrome; Neoplastic Syndromes, Hereditary; Hereditary Cancer Syndrome. Identifiers: Orphanet 140162, MedGen C0027672, MeSH D009386, MONDO:0015356.

Allele frequency attached by ClinVar (database versions not stated): gnomAD exomes 0.00001.

Submissions (7):

Labcorp Genetics (formerly Invitae), Labcorp
Classification: Likely benign for Retinoblastoma. Last evaluated: 2025-11-04. Review status: criteria provided, single submitter. Criteria: Invitae Variant Classification Sherloc (09022015). Collection method: clinical testing. Allele origin: germline.

Ambry Genetics
Classification: Likely benign for Hereditary cancer-predisposing syndrome. Last evaluated: 2024-08-15. Review status: criteria provided, single submitter. Criteria: Ambry Variant Classification Scheme 2023. Collection method: clinical testing. Allele origin: germline.

GeneDx
Classification: Uncertain significance. Last evaluated: 2024-06-04. Review status: criteria provided, single submitter. Criteria: GeneDx Variant Classification Process June 2021. Collection method: clinical testing. Allele origin: germline. Affected: yes.
Comment: Not observed at significant frequency in large population cohorts (gnomAD); In silico analysis indicates that this missense variant does not alter protein structure/function; Has not been previously published as pathogenic or benign to our knowledge; This variant is associated with the following publications: (PMID: 23516486)

Baylor Genetics
Classification: Uncertain significance for Malignant tumor of urinary bladder. Last evaluated: 2024-03-08. Review status: criteria provided, single submitter. Criteria: ACMG Guidelines, 2015. Collection method: clinical testing. Allele origin: unknown.

Fulgent Genetics
Classification: Uncertain significance for Malignant tumor of urinary bladder; Retinoblastoma; Small cell lung carcinoma; Bone osteosarcoma. Last evaluated: 2024-01-10. Review status: criteria provided, single submitter. Criteria: ACMG Guidelines, 2015. Collection method: clinical testing. Allele origin: germline.

All of Us Research Program, National Institutes of Health
Classification: Uncertain significance for Retinoblastoma. Last evaluated: 2023-06-26. Review status: criteria provided, single submitter. Criteria: ACMG Guidelines, 2015. Collection method: clinical testing. Allele origin: germline. Inheritance: Autosomal dominant inheritance. Observed: 1 variant allele, 1 heterozygote.
Comment: This missense variant replaces methionine with isoleucine at codon 113 of the RB1 protein. Computational prediction suggests that this variant may not impact protein structure and function (internally defined REVEL score threshold <= 0.5, PMID: 27666373). To our knowledge, functional studies have not been reported for this variant. This variant has not been reported in individuals affected with RB1-related disorders in the literature. This variant has not been identified in the general population by the Genome Aggregation Database (gnomAD). The available evidence is insufficient to determine the role of this variant in disease conclusively. Therefore, this variant is classified as a Variant of Uncertain Significance.

This study involves interpretation of variants in research participants for the purpose of population health screening. Participant phenotype was not available at the time of variant classification. Additional details can be found in publication PMID: 35346344, PMCID: PMC8962531

Color Diagnostics, LLC DBA Color Health
Classification: Uncertain significance for Retinoblastoma. Last evaluated: 2023-06-15. Review status: criteria provided, single submitter. Criteria: ACMG Guidelines, 2015. Collection method: clinical testing. Allele origin: germline.
Comment: This missense variant replaces methionine with isoleucine at codon 113 of the RB1 protein. Computational prediction suggests that this variant may not impact protein structure and function. To our knowledge, functional studies have not been reported for this variant. This variant has not been reported in individuals affected with RB1-related disorders in the literature. This variant has not been identified in the general population by the Genome Aggregation Database (gnomAD). The available evidence is insufficient to determine the role of this variant in disease conclusively. Therefore, this variant is classified as a Variant of Uncertain Significance.

NM_000321.3(RB1):c.339G>A (p.Met113Ile)

Gene: RB1 (RB transcriptional corepressor 1; plus strand). Cytogenetic location: 13q14.2.
Variant type: single nucleotide variant.
Coding change: c.339G>A on transcript NM_000321.3 (MANE Select); coding-DNA position 339, G replaced by A.
Protein change: p.Met113Ile; replaces methionine 113 with isoleucine.
Molecular consequence: missense variant.
Genome position (GRCh38, 1-based): chr13:48,342,673, G>A. VCF-style: chr13-48342673-G-A. GRCh37 (hg19) VCF-style: chr13-48916809-G-A.
Other names: short protein forms M113I.
Identifiers: ClinVar variation 664139 (VCV000664139.20), dbSNP rs1593434250, ClinGen allele CA388252479.